The following is an entry in ClinVar:

ClinVar aggregate classification (germline): Likely pathogenic (1 of 4 stars; one submission).

Conditions:
Neurodevelopmental disorder with poor growth and skeletal anomalies. Identifiers: MedGen C5676990, MONDO:0859252, OMIM 619880.

Submission:

Diagnostics Services (NGS), CSIR - Centre For Cellular And Molecular Biology
Classification: Likely pathogenic for Neurodevelopmental disorder with poor growth and skeletal anomalies. Last evaluated: 2022-08-23. Review status: criteria provided, single submitter. Criteria: ACMG Guidelines, 2015. Collection method: clinical testing. Allele origin: unknown. Affected: yes. Observed: 1 variant allele, 1 homozygote.
Comment: The c.683_762del variant is not present in publicly available population databases like 1000 Genomes, Exome Variant Server (EVS), Exome Aggregation Consortium (ExAC), Genome Aggregation Database (gnomAD) and Indian Exome Database. The variant is not present in our in-house exome database. This variant has not been published in literature or reported to clinical databases like ClinVar, Human Genome Mutation Database (HGMD) and OMIM, in any affected individuals. In-silico pathogenicity prediction programs like MutationTaster2, CADD, Varsome, Franklin etc. predicted this variant to be likely deleterious. The variant causes frameshift at the 228th amino acid position of the wild-type transcript which creates a translational premature stop signal at the 248th amino acid position of the altered transcript that either may causes nonsense mediated decay of the mRNA or results in translating a truncated protein.

NM_018928.3(PCDHGC4):c.683_762del (p.Leu228fs)

Genes: PCDHG@ (protocadherin gamma cluster; plus strand), PCDHGA1 (protocadherin gamma subfamily A, 1; plus strand), PCDHGA10 (protocadherin gamma subfamily A, 10; plus strand), PCDHGA11 (protocadherin gamma subfamily A, 11; plus strand), PCDHGA12 (protocadherin gamma subfamily A, 12; plus strand) and 17 more. Cytogenetic location: 5q31.3.
Variant type: Deletion.
Coding change: c.683_762del on transcript NM_018928.3 (MANE Select); coding-DNA positions 683 to 762, 80 bases deleted.
Protein change: p.Leu228fs; shifts the reading frame from leucine 228.
Molecular consequence: frameshift variant. On other transcripts: intron variant (23).
Genome position (GRCh38, 1-based): chr5:141,485,856-141,485,935, 80 bases deleted. GRCh37 (hg19): chr5:140,865,423-140,865,502.
Other names: c.683_762del, p.Leu228fs (NM_032406.1); c.2422-8951_2422-8872del (NM_018912.3, NM_018923.3, NM_018918.3); c.2425-8951_2425-8872del (NM_018915.4, NM_018916.4, NM_018919.3 and 4 more transcripts); c.2410-8951_2410-8872del (NM_018922.3); c.2515-8951_2515-8872del (NM_018917.4); c.2416-8951_2416-8872del (NM_018924.5, NM_018927.4); c.2398-8951_2398-8872del (NM_003736.4, NM_018925.3); c.2419-8951_2419-8872del (NM_018926.3); and 6 more; short protein forms L228fs.
Identifiers: ClinVar variation 1802232 (VCV001802232.3), dbSNP rs2507903413, ClinGen allele CA2580072984.